The following is an entry in ClinVar:

ClinVar aggregate classification (germline): Uncertain significance (1 of 4 stars; one submission).

Submission:

Labcorp Genetics (formerly Invitae), Labcorp
Classification: Uncertain significance. Last evaluated: 2022-01-05. Review status: criteria provided, single submitter. Criteria: Invitae Variant Classification Sherloc (09022015). Collection method: clinical testing. Allele origin: germline.
Comment: In summary, the available evidence is currently insufficient to determine the role of this variant in disease. Therefore, it has been classified as a Variant of Uncertain Significance. Experimental studies and prediction algorithms are not available or were not evaluated, and the functional significance of this variant is currently unknown. This variant has not been reported in the literature in individuals affected with TNFRSF11A-related conditions. This variant is not present in population databases (gnomAD no frequency). This sequence change creates a premature translational stop signal (p.Leu422Phefs*104) in the TNFRSF11A gene. While this is not anticipated to result in nonsense mediated decay, it is expected to disrupt the last 195 amino acid(s) of the TNFRSF11A protein.

NM_003839.4(TNFRSF11A):c.1266del (p.Leu422fs)

Gene: TNFRSF11A (TNF receptor superfamily member 11a; plus strand). Cytogenetic location: 18q21.33.
Variant type: Deletion.
Coding change: c.1266del on transcript NM_003839.4 (MANE Select); coding-DNA position 1266, one base deleted (G; older notation c.1266delG).
Protein change: p.Leu422fs; shifts the reading frame from leucine 422.
Molecular consequence: frameshift variant. On other transcripts: intron variant (3).
Genome position (GRCh38, 1-based): chr18:62,369,183, G deleted. VCF-style (leftmost placement, unchanged base first): chr18-62369182-TG-T. GRCh37 (hg19) VCF-style: chr18-60036415-TG-T.
Other names: c.1224del, p.Leu408fs (NM_001278268.2); c.783+2423del (NM_001270949.2); c.730+7390del (NM_001270950.2); c.616+9134del (NM_001270951.2); short protein forms L408fs, L422fs.
Identifiers: ClinVar variation 1956502 (VCV001956502.5), dbSNP rs2511593077, ClinGen allele CA2576518738.